The following is an entry in ClinVar:

NM_006118.4(HAX1):c.-58T>G

Genes: HAX1 (HCLS1 associated protein X-1; plus strand), LOC129931498 (ATAC-STARR-seq lymphoblastoid active region 1775; plus strand). Cytogenetic location: 1q21.3.
Variant type: single nucleotide variant.
Coding change: c.-58T>G on transcript NM_006118.4 (MANE Select); 58 bases upstream of the start codon, T replaced by G.
Molecular consequence: 5 prime UTR variant.
Genome position (GRCh38, 1-based): chr1:154,272,666, T>G. VCF-style: chr1-154272666-T-G. GRCh37 (hg19) VCF-style: chr1-154245142-T-G.
Other names: c.-58T>G (NM_001018837.2).
Identifiers: ClinVar variation 292700 (VCV000292700.10), dbSNP rs11265425, ClinGen allele CA10608204.
Genomic context (GRCh38, chr1:154,272,666, plus strand): 5'-CTTGCTTTCCGGTAGCGTGGGCTGACGCCTCGCTCAATTTCTCACAGGGCTGCGCAGGTT[T>G]CCCCCGTCTGCGAATGGACCACTGGAGGGGTTCAAAGGTTCGCGTCCCAGTACGGGAATG-3'

ClinVar aggregate classification (germline): Benign. Review status: criteria provided, multiple submitters, no conflicts (2 of 4 stars). 4 submissions from 4 submitters: Benign (4). Last evaluated 2021-07-08.

Conditions:
Kostmann syndrome (SCN3). Also called: KOSTMANN DISEASE; Autosomal recessive severe congenital neutropenia type 3. Identifiers: Orphanet 99749, MedGen C5235141, MONDO:0012548, OMIM 610738.

Allele frequency attached by ClinVar (database versions not stated): TOPMed 0.19581; ESP Exome Variant Server 0.21266; gnomAD 0.21409 and 0.21587.
gnomAD v4.1: 422,978 of 1,555,112 alleles (27%); highest among the groups gnomAD compares: East Asian, 44%; 62,113 homozygotes.

Submissions (4):

Genome-Nilou Lab
Classification: Benign for Kostmann syndrome. Last evaluated: 2021-07-08. Review status: criteria provided, single submitter. Criteria: ACMG Guidelines, 2015. Collection method: clinical testing. Allele origin: germline. Affected: no.

Illumina Laboratory Services, Illumina
Classification: Benign for Kostmann syndrome. Last evaluated: 2018-01-13. Review status: criteria provided, single submitter. Criteria: ICSL Variant Classification Criteria 13 December 2019. Collection method: clinical testing. Allele origin: germline.
Comment: This variant was observed in the ICSL laboratory as part of a predisposition screen in an ostensibly healthy population. It had not been previously curated by ICSL or reported in the Human Gene Mutation Database (HGMD: prior to June 1st, 2018), and was therefore a candidate for classification through an automated scoring system. Utilizing variant allele frequency, disease prevalence and penetrance estimates, and inheritance mode, an automated score was calculated to assess if this variant is too frequent to cause the disease. Based on the score and internal cut-off values, a variant classified as benign is not then subjected to further curation. The score for this variant resulted in a classification of benign for this disease.

GeneDx
Classification: Benign. Last evaluated: 2015-03-03. Review status: criteria provided, single submitter. Criteria: GeneDx Variant Classification Process June 2021. Collection method: clinical testing. Allele origin: germline. Affected: yes.

Breakthrough Genomics
Classification: Benign. Review status: criteria provided, single submitter. Criteria: ACMG Guidelines, 2015. Collection method: not provided. Allele origin: germline. Inheritance: Autosomal recessive inheritance. Affected: yes.